The following is an entry in ClinVar:

NM_138422.4(ADAT3):c.1013_1018dup (p.Ile339_His340insArgIle)

Genes: SCAMP4 (secretory carrier membrane protein 4; plus strand), ADAT3 (adenosine deaminase tRNA specific 3; plus strand). Cytogenetic location: 19p13.3.
Variant type: Duplication.
Coding change: c.1013_1018dup on transcript NM_138422.4 (MANE Select); coding-DNA positions 1013 to 1018, 6 bases duplicated (GCATCC; older notation c.1013_1018dupGCATCC).
Protein change: p.Ile339_His340insArgIle.
Molecular consequence: inframe insertion. On other transcripts: intron variant (3).
Genome position (GRCh38, 1-based): chr19:1,913,060-1,913,065, GCATCC duplicated; duplicating any 6 consecutive bases within chr19:1,913,057-1,913,065 gives the same sequence; the c. name uses the placement nearest the transcript's 3' end. VCF-style (leftmost placement, unchanged base first): chr19-1913056-T-TTCCGCA. GRCh37 (hg19) VCF-style: chr19-1913055-T-TTCCGCA.
Other names: c.965_970dup, p.Ile323_His324insArgIle (NM_001329533.2); c.-41-1919_-41-1914dup (NM_079834.4, NM_001329540.2); c.-125-4634_-125-4629dup (NM_001329539.2).
Identifiers: ClinVar variation 4854149 (VCV004854149.1).
Genomic context (GRCh38, chr19:1,913,056, plus strand): 5'-GCACGCATCCTGCGCGTCTTCTACGGTGCGCCCTCGCCCGACGGCGCCCTGGGCACCCGC[T>TTCCGCA]TCCGCATCCACGCACGGCCCGACCTCAACCACCGCTTCCAGGTGTTCCGCGGGGTGCTGG-3'

ClinVar aggregate classification (germline): Uncertain significance (1 of 4 stars; one submission).

Conditions:
Intellectual disability-strabismus syndrome (NEDBGF). Also called: NEURODEVELOPMENTAL DISORDER WITH BRAIN ABNORMALITIES, POOR GROWTH, AND DYSMORPHIC FACIES. Identifiers: Orphanet 363528, MedGen C4750838, MONDO:0014119, OMIM 615286.

Submission:

3billion
Classification: Uncertain significance for Intellectual disability-strabismus syndrome. Last evaluated: 2025-12-18. Review status: criteria provided, single submitter. Criteria: ACMG Guidelines, 2015. Collection method: clinical testing. Allele origin: germline. Affected: yes.
Comment: The variant is not observed in the gnomAD v4.1.0 dataset. Predicted Consequence/Location: Inframe insertion located in a nonrepeat region: predicted to change the length of the protein and disrupt normal protein function. Therefore, this variant is classified as VUS according to the recommendation of ACMG/AMP guideline.